The following is an entry in ClinVar:

NM_000545.8(HNF1A):c.327-2A>T

Gene: HNF1A (HNF1 homeobox A; plus strand). Cytogenetic location: 12q24.31.
Variant type: single nucleotide variant.
Coding change: c.327-2A>T on transcript NM_000545.8 (MANE Select); the canonical splice acceptor site of the intron before coding-DNA position 327, A replaced by T.
Molecular consequence: splice acceptor variant.
Genome position (GRCh38, 1-based): chr12:120,988,831, A>T. VCF-style: chr12-120988831-A-T. GRCh37 (hg19) VCF-style: chr12-121426634-A-T.
Other names: NM_001306179.2:c.327-2A>T; c.327-2A>T (NM_001306179.2, NM_001406915.1).
Identifiers: ClinVar variation 1687072 (VCV001687072.4), dbSNP rs2135832423, ClinGen allele CA386958679.
Genomic context (GRCh38, chr12:120,988,831, plus strand): 5'-CAGCCCCACCTATGGGGAGAGACAGCCCTTGCTGAGCAGATCCCGTCCTTGCCCTCTCCC[A>T]GGGAGGACCCGTGGCGTGTGGCGAAGATGGTCAAGTCCTACCTGCAGCAGCACAACATCC-3'

ClinVar aggregate classification (germline): Pathogenic (3 of 4 stars; one submission).

Conditions:
Monogenic diabetes. Identifiers: Orphanet 183625, MedGen C3888631, MONDO:0015967.

Submission:

ClinGen Monogenic Diabetes Variant Curation Expert Panel
Classification: Pathogenic for Monogenic diabetes. Last evaluated: 2026-02-06. Review status: reviewed by expert panel. Criteria: ClinGen Diabetes ACMG Specifications HNF1A V3.1.0. Collection method: curation. Allele origin: germline. Inheritance: Autosomal dominant inheritance.
Comment: The c.327-2A>T variant in the HNF1 homeobox A gene, HNF1A, is predicted to remove a canonical splice acceptor site in intron 1 of NM_000545.8. This variant is predicted to cause skipping of biologically-relevant exon 2 of 10, resulting in a frameshift, leading to nonsense mediated decay in a gene in which loss-of-function is an established disease mechanism (PVS1; PMID: 23348805). This variant is also absent from gnomAD v4.1.0 (PM2_Supporting). Other variants within same splice acceptor dinucleotide, c.327-1G>A and c.327-1G>T, have been classified as pathogenic by the ClinGen MDEP and have the same predicted splice acceptor loss by SpliceAI (1.00) (PS1_Supporting). In summary, c.327-2A>T meets the criteria to be classified as pathogenic for monogenic diabetes. ACMG/AMP criteria applied, as specified by the ClinGen MDEP (specification version 3.1.0, approved 10/10/2025): PVS1, PS1_Supporting, PM2_Supporting.

Literature cited by the submitters: PubMed 23348805.